The following is an entry in ClinVar:

ClinVar aggregate classification (germline): Uncertain significance (1 of 4 stars; one submission).

Allele frequency attached by ClinVar (database versions not stated): TOPMed below 0.00001; ExAC 0.00001.
gnomAD v4.1: 2 of 1,614,192 alleles (0.00012%); highest among the groups gnomAD compares: Admixed American, 0.0033%; no homozygotes.

Submission:

Labcorp Genetics (formerly Invitae), Labcorp
Classification: Uncertain significance. Last evaluated: 2023-03-10. Review status: criteria provided, single submitter. Criteria: Invitae Variant Classification Sherloc (09022015). Collection method: clinical testing. Allele origin: germline.
Comment: In summary, the available evidence is currently insufficient to determine the role of this variant in disease. Therefore, it has been classified as a Variant of Uncertain Significance. Advanced modeling of protein sequence and biophysical properties (such as structural, functional, and spatial information, amino acid conservation, physicochemical variation, residue mobility, and thermodynamic stability) performed at Invitae indicates that this missense variant is expected to disrupt RBM48 protein function. This variant is present in population databases (rs751893937, gnomAD 0.006%). This variant has not been reported in the literature in individuals affected with RBM48-related conditions. This sequence change replaces leucine, which is neutral and non-polar, with tryptophan, which is neutral and slightly polar, at codon 326 of the RBM48 protein (p.Leu326Trp).

NM_032120.4(RBM48):c.977T>G (p.Leu326Trp)

Gene: RBM48 (RNA binding motif protein 48; plus strand). Cytogenetic location: 7q21.2.
Variant type: single nucleotide variant.
Coding change: c.977T>G on transcript NM_032120.4 (MANE Select); coding-DNA position 977, T replaced by G.
Protein change: p.Leu326Trp; replaces leucine 326 with tryptophan.
Molecular consequence: missense variant.
Genome position (GRCh38, 1-based): chr7:92,534,930, T>G. VCF-style: chr7-92534930-T-G. GRCh37 (hg19) VCF-style: chr7-92164244-T-G.
Other names: c.977T>G, p.Leu326Trp (NM_001363366.1); c.452T>G, p.Leu151Trp (NM_001363367.1); short protein forms L326W, L151W.
Identifiers: ClinVar variation 2881480 (VCV002881480.3), dbSNP rs751893937, ClinGen allele CA4341968.